The following is an entry in ClinVar:

NM_198578.4(LRRK2):c.483G>A (p.Met161Ile)

Gene: LRRK2 (leucine rich repeat kinase 2; plus strand). Cytogenetic location: 12q12.
Variant type: single nucleotide variant.
Coding change: c.483G>A on transcript NM_198578.4 (MANE Select); coding-DNA position 483, G replaced by A.
Protein change: p.Met161Ile; replaces methionine 161 with isoleucine.
Molecular consequence: missense variant.
Genome position (GRCh38, 1-based): chr12:40,238,015, G>A. VCF-style: chr12-40238015-G-A. GRCh37 (hg19) VCF-style: chr12-40631817-G-A.
Other names: short protein forms M161I.
Identifiers: ClinVar variation 1743494 (VCV001743494.5), dbSNP rs769436729, ClinGen allele CA6513113.

ClinVar aggregate classification (germline): Uncertain significance. Review status: criteria provided, multiple submitters, no conflicts (2 of 4 stars). 2 submissions from 2 submitters: Uncertain significance (2). Last evaluated 2024-01-25.

Conditions:
Inborn genetic diseases. Identifiers: MedGen C0950123, MeSH D030342.
Autosomal dominant Parkinson disease 8. Also called: Parkinson disease 8, susceptibility to; LRRK2-Related Parkinson Disease; Parkinson disease 8. Identifiers: Orphanet 411602, MedGen C1846862, MONDO:0011764, OMIM 607060.

Allele frequency attached by ClinVar (database versions not stated): gnomAD exomes 0.00001; TOPMed 0.00001; ExAC 0.00002.

Submissions (2):

Ambry Genetics
Classification: Uncertain significance for Inborn genetic diseases. Last evaluated: 2024-01-25. Review status: criteria provided, single submitter. Criteria: Ambry Variant Classification Scheme 2023. Collection method: clinical testing. Allele origin: germline.
Comment: The p.M161I variant (also known as c.483G>A), located in coding exon 5 of the LRRK2 gene, results from a G to A substitution at nucleotide position 483. The methionine at codon 161 is replaced by isoleucine, an amino acid with highly similar properties. This amino acid position is conserved. In addition, this alteration is predicted to be tolerated by in silico analysis. Since supporting evidence is limited at this time, the clinical significance of this alteration remains unclear.

Labcorp Genetics (formerly Invitae), Labcorp
Classification: Uncertain significance for Autosomal dominant Parkinson disease 8. Last evaluated: 2023-11-08. Review status: criteria provided, single submitter. Criteria: Invitae Variant Classification Sherloc (09022015). Collection method: clinical testing. Allele origin: germline.
Comment: This sequence change replaces methionine, which is neutral and non-polar, with isoleucine, which is neutral and non-polar, at codon 161 of the LRRK2 protein (p.Met161Ile). This variant is present in population databases (rs769436729, gnomAD 0.03%). This variant has not been reported in the literature in individuals affected with LRRK2-related conditions. ClinVar contains an entry for this variant (Variation ID: 1743494). Advanced modeling of protein sequence and biophysical properties (such as structural, functional, and spatial information, amino acid conservation, physicochemical variation, residue mobility, and thermodynamic stability) has been performed at Invitae for this missense variant, however the output from this modeling did not meet the statistical confidence thresholds required to predict the impact of this variant on LRRK2 protein function. In summary, the available evidence is currently insufficient to determine the role of this variant in disease. Therefore, it has been classified as a Variant of Uncertain Significance.